The following is an entry in ClinVar:

ClinVar aggregate classification (germline): Pathogenic. Review status: criteria provided, multiple submitters, no conflicts (2 of 4 stars). 3 submissions from 3 submitters: Pathogenic (3). Last evaluated 2024-03-14.

Conditions:
Hereditary cancer-predisposing syndrome. Also called: Tumor predisposition; Neoplastic Syndromes, Hereditary; Hereditary neoplastic syndrome; Hereditary Cancer Syndrome. Identifiers: Orphanet 140162, MedGen C0027672, MeSH D009386, MONDO:0015356.
Hereditary diffuse gastric adenocarcinoma (HDGC). Also called: DIFFUSE GASTRIC AND LOBULAR BREAST CANCER SYNDROME. Identifiers: Orphanet 26106, MedGen C1708349, MONDO:0007648, OMIM 137215.

gnomAD v4.1: 1 of 1,614,206 alleles (0.000062%); highest among the groups gnomAD compares: African/African-American, 0.0013%; no homozygotes.

Submissions (3):

Ambry Genetics
Classification: Pathogenic for Hereditary cancer-predisposing syndrome. Last evaluated: 2024-03-14. Review status: criteria provided, single submitter. Criteria: Ambry Variant Classification Scheme 2023. Collection method: clinical testing. Allele origin: germline.
Comment: The p.Y523* pathogenic mutation (also known as c.1569T>G), located in coding exon 11 of the CDH1 gene, results from a T to G substitution at nucleotide position 1569. This changes the amino acid from a tyrosine to a stop codon within coding exon 11. This variant has been observed in at least one individual with a personal and/or family history that is consistent with CDH1-related diffuse gastric and lobular breast cancer (Ambry internal data). This alteration is expected to result in loss of function by premature protein truncation or nonsense-mediated mRNA decay. As such, this alteration is interpreted as a disease-causing mutation.

Myriad Genetics, Inc.
Classification: Pathogenic for Hereditary diffuse gastric adenocarcinoma. Last evaluated: 2023-06-14. Review status: criteria provided, single submitter. Criteria: Myriad Autosomal Dominant, Autosomal Recessive and X-Linked Classification Criteria (2023). Collection method: clinical testing. Allele origin: unknown.
Comment: This variant is considered pathogenic. This variant creates a termination codon and is predicted to result in premature protein truncation.

Labcorp Genetics (formerly Invitae), Labcorp
Classification: Pathogenic for Hereditary diffuse gastric adenocarcinoma. Last evaluated: 2022-04-16. Review status: criteria provided, single submitter. Criteria: Invitae Variant Classification Sherloc (09022015). Collection method: clinical testing. Allele origin: germline.
Comment: For these reasons, this variant has been classified as Pathogenic. Algorithms developed to predict the effect of sequence changes on RNA splicing suggest that this variant may create or strengthen a splice site. ClinVar contains an entry for this variant (Variation ID: 1068969). This variant has not been reported in the literature in individuals affected with CDH1-related conditions. This variant is not present in population databases (gnomAD no frequency). This sequence change creates a premature translational stop signal (p.Tyr523*) in the CDH1 gene. It is expected to result in an absent or disrupted protein product. Loss-of-function variants in CDH1 are known to be pathogenic (PMID: 15235021, 20373070).

Literature cited by the submitters: PubMed 15235021 (cited by Labcorp Genetics (formerly Invitae), Labcorp); PubMed 20373070 (cited by Labcorp Genetics (formerly Invitae), Labcorp).

NM_004360.5(CDH1):c.1569T>G (p.Tyr523Ter)

Gene: CDH1 (cadherin 1; plus strand). Cytogenetic location: 16q22.1.
Variant type: single nucleotide variant.
Coding change: c.1569T>G on transcript NM_004360.5 (MANE Select); coding-DNA position 1569, T replaced by G.
Protein change: p.Tyr523Ter; replaces tyrosine 523 with a stop codon.
Molecular consequence: nonsense. On other transcripts: intron variant (1).
Genome position (GRCh38, 1-based): chr16:68,819,283, T>G. VCF-style: chr16-68819283-T-G. GRCh37 (hg19) VCF-style: chr16-68853186-T-G.
Other names: c.1569T>G (NM_004360.3); c.1386T>G, p.Tyr462Ter (NM_001317184.2); c.21T>G, p.Tyr7Ter (NM_001317185.2); c.-254-2718T>G (NM_001317186.2); short protein forms Y462*, Y523*, Y7*.
Identifiers: ClinVar variation 1068969 (VCV001068969.10), dbSNP rs876659716, ClinGen allele CA396464807.